The following is an entry in ClinVar:

ClinVar aggregate classification (germline): Uncertain significance. Review status: criteria provided, multiple submitters, no conflicts (2 of 4 stars). 2 submissions from 2 submitters: Uncertain significance (2). Last evaluated 2025-08-26.

Conditions:
Hereditary cancer-predisposing syndrome. Also called: Tumor predisposition; Hereditary neoplastic syndrome; Neoplastic Syndromes, Hereditary; Hereditary Cancer Syndrome. Identifiers: Orphanet 140162, MedGen C0027672, MeSH D009386, MONDO:0015356.
Pheochromocytoma/paraganglioma syndrome 5. Also called: Paragangliomas 5; SDHA-Related Hereditary Paraganglioma-Pheochromocytoma Syndrome. Identifiers: Orphanet 29072, MedGen C3279992, MONDO:0013602, OMIM 614165.
Mitochondrial complex II deficiency, nuclear type 1. Also called: SUCCINATE CoQ REDUCTASE DEFICIENCY. Identifiers: Orphanet 3208, MedGen C5700310, MONDO:0100294, OMIM 252011.

Submissions (2):

Ambry Genetics
Classification: Uncertain significance for Hereditary cancer-predisposing syndrome. Last evaluated: 2025-08-26. Review status: criteria provided, single submitter. Criteria: Ambry Variant Classification Scheme 2023. Collection method: clinical testing. Allele origin: germline.
Comment: The p.L209P variant (also known as c.626T>C), located in coding exon 6 of the SDHA gene, results from a T to C substitution at nucleotide position 626. The leucine at codon 209 is replaced by proline, an amino acid with similar properties. This amino acid position is highly conserved in available vertebrate species. In addition, this alteration is predicted to be deleterious by in silico analysis. Based on the available evidence, the clinical significance of this variant remains unclear.

Labcorp Genetics (formerly Invitae), Labcorp
Classification: Uncertain significance for Pheochromocytoma/paraganglioma syndrome 5; Mitochondrial complex II deficiency, nuclear type 1. Last evaluated: 2024-07-03. Review status: criteria provided, single submitter. Criteria: Invitae Variant Classification Sherloc (09022015). Collection method: clinical testing. Allele origin: germline.
Comment: This sequence change replaces leucine, which is neutral and non-polar, with proline, which is neutral and non-polar, at codon 209 of the SDHA protein (p.Leu209Pro). This variant is not present in population databases (gnomAD no frequency). This variant has not been reported in the literature in individuals affected with SDHA-related conditions. ClinVar contains an entry for this variant (Variation ID: 826284). Advanced modeling of protein sequence and biophysical properties (such as structural, functional, and spatial information, amino acid conservation, physicochemical variation, residue mobility, and thermodynamic stability) has been performed at Invitae for this missense variant, however the output from this modeling did not meet the statistical confidence thresholds required to predict the impact of this variant on SDHA protein function. In summary, the available evidence is currently insufficient to determine the role of this variant in disease. Therefore, it has been classified as a Variant of Uncertain Significance.

NM_004168.4(SDHA):c.626T>C (p.Leu209Pro)

Gene: SDHA (succinate dehydrogenase complex flavoprotein subunit A; plus strand). Cytogenetic location: 5p15.33.
Variant type: single nucleotide variant.
Coding change: c.626T>C on transcript NM_004168.4 (MANE Select); coding-DNA position 626, T replaced by C.
Protein change: p.Leu209Pro; replaces leucine 209 with proline.
Molecular consequence: missense variant.
Genome position (GRCh38, 1-based): chr5:228,189, T>C. VCF-style: chr5-228189-T-C. GRCh37 (hg19) VCF-style: chr5-228304-T-C.
Other names: c.482T>C, p.Leu161Pro (NM_001294332.2); c.626T>C, p.Leu209Pro (NM_001330758.2); short protein forms L161P, L209P.
Identifiers: ClinVar variation 826284 (VCV000826284.12), dbSNP rs1579390858, ClinGen allele CA359010790.